The following is an entry in ClinVar:

NM_013352.4(DSE):c.483T>G (p.Ala161=)

Gene: DSE (dermatan sulfate epimerase; plus strand). Cytogenetic location: 6q22.1.
Variant type: single nucleotide variant.
Coding change: c.483T>G on transcript NM_013352.4 (MANE Select); coding-DNA position 483, T replaced by G.
Protein change: p.Ala161=; no amino-acid change (alanine 161 retained).
Molecular consequence: synonymous variant. On other transcripts: 5 prime UTR variant (4), non-coding transcript variant (1).
Genome position (GRCh38, 1-based): chr6:116,426,640, T>G. VCF-style: chr6-116426640-T-G. GRCh37 (hg19) VCF-style: chr6-116747803-T-G.
Other names: c.483T>G, p.Ala161= (NM_001080976.3, NM_001322937.2, NM_001322938.2 and 3 more transcripts); c.540T>G, p.Ala180= (NM_001322939.2); c.-79T>G (NM_001322940.2, NM_001322941.2); c.-418T>G (NM_001374520.1); c.-105T>G (NM_001374521.1).
Identifiers: ClinVar variation 509679 (VCV000509679.3), dbSNP rs1554226781, ClinGen allele CA451609364.

ClinVar aggregate classification (germline): Likely benign. Review status: criteria provided, multiple submitters, no conflicts (2 of 4 stars). 2 submissions from 2 submitters: Likely benign (2). Last evaluated 2024-05-06.

Conditions:
Ehlers-Danlos syndrome, musculocontractural type 2 (EDSMC2). Identifiers: Orphanet 2953, MedGen C3809845, MONDO:0014236, OMIM 615539.

gnomAD v4.1: 5 of 1,614,084 alleles (0.00031%); highest among the groups gnomAD compares: Middle Eastern, 0.017%; 1 homozygote.

Submissions (2):

Labcorp Genetics (formerly Invitae), Labcorp
Classification: Likely benign for Ehlers-Danlos syndrome, musculocontractural type 2. Last evaluated: 2024-05-06. Review status: criteria provided, single submitter. Criteria: Invitae Variant Classification Sherloc (09022015). Collection method: clinical testing. Allele origin: germline.

GeneDx
Classification: Likely benign. Last evaluated: 2017-05-19. Review status: criteria provided, single submitter. Criteria: GeneDx Variant Classification (06012015). Collection method: clinical testing. Allele origin: germline. Affected: yes.
Comment: This variant is considered likely benign or benign based on one or more of the following criteria: it is a conservative change, it occurs at a poorly conserved position in the protein, it is predicted to be benign by multiple in silico algorithms, and/or has population frequency not consistent with disease.